The following is an entry in ClinVar:

NM_001029883.3(PCARE):c.2636C>G (p.Ser879Cys)

Gene: PCARE (photoreceptor cilium actin regulator; minus strand). Cytogenetic location: 2p23.2.
Variant type: single nucleotide variant.
Coding change: c.2636C>G on transcript NM_001029883.3 (MANE Select); coding-DNA position 2636, C replaced by G.
Protein change: p.Ser879Cys; replaces serine 879 with cysteine.
Molecular consequence: missense variant.
Genome position (GRCh38, 1-based): chr2:29,071,626, G>C on the plus strand (C>G on the coding strand, the complement: PCARE is on the minus strand). VCF-style: chr2-29071626-G-C. GRCh37 (hg19) VCF-style: chr2-29294492-G-C.
Other names: c.2636C>G (NM_001029883.2); short protein forms S879C.
Identifiers: ClinVar variation 1475562 (VCV001475562.6), dbSNP rs780881657, ClinGen allele CA1592156.

ClinVar aggregate classification (germline): Uncertain significance. Review status: criteria provided, multiple submitters, no conflicts (2 of 4 stars). 2 submissions from 2 submitters: Uncertain significance (2). Last evaluated 2026-03-18.

Conditions:
PCARE-related disorder. Also called: PCARE-related condition.

Allele frequency attached by ClinVar (database versions not stated): gnomAD 0.00001; gnomAD exomes 0.00001; ExAC 0.00002; TOPMed 0.00002.
gnomAD v4.1: 9 of 1,613,554 alleles (0.00056%); highest among the groups gnomAD compares: Admixed American, 0.0033%; no homozygotes.

Submissions (2):

PreventionGenetics, part of Exact Sciences
Classification: Uncertain significance for PCARE-related condition. Last evaluated: 2026-03-18. Review status: criteria provided, single submitter. Criteria: ACMG Guidelines, 2015. Collection method: clinical testing. Allele origin: germline.
Comment: The PCARE c.2636C>G variant is predicted to result in the amino acid substitution p.Ser879Cys. To our knowledge, this variant has not been reported in the literature. This variant is present in 0.0058% of alleles in individuals of Latino descent in gnomAD. At this time, the clinical significance of this variant is uncertain due to the absence of conclusive functional and genetic evidence.

Labcorp Genetics (formerly Invitae), Labcorp
Classification: Uncertain significance. Last evaluated: 2022-07-26. Review status: criteria provided, single submitter. Criteria: Invitae Variant Classification Sherloc (09022015). Collection method: clinical testing. Allele origin: germline.
Comment: In summary, the available evidence is currently insufficient to determine the role of this variant in disease. Therefore, it has been classified as a Variant of Uncertain Significance. Algorithms developed to predict the effect of missense changes on protein structure and function (SIFT, PolyPhen-2, Align-GVGD) all suggest that this variant is likely to be disruptive. ClinVar contains an entry for this variant (Variation ID: 1475562). This variant has not been reported in the literature in individuals affected with PCARE-related conditions. This variant is present in population databases (rs780881657, gnomAD 0.006%). This sequence change replaces serine, which is neutral and polar, with cysteine, which is neutral and slightly polar, at codon 879 of the PCARE protein (p.Ser879Cys).